The following is an entry in ClinVar:

NM_000215.4(JAK3):c.2519G>A (p.Arg840His)

Gene: JAK3 (Janus kinase 3; minus strand). Cytogenetic location: 19p13.11.
Variant type: single nucleotide variant.
Coding change: c.2519G>A on transcript NM_000215.4 (MANE Select); coding-DNA position 2519, G replaced by A.
Protein change: p.Arg840His; replaces arginine 840 with histidine.
Molecular consequence: missense variant.
Genome position (GRCh38, 1-based): chr19:17,832,680, C>T on the plus strand (G>A on the coding strand, the complement: JAK3 is on the minus strand). VCF-style: chr19-17832680-C-T. GRCh37 (hg19) VCF-style: chr19-17943489-C-T.
Other names: short protein forms R840H.
Identifiers: ClinVar variation 1054471 (VCV001054471.5), dbSNP rs140837014, ClinGen allele CA9301580.

ClinVar aggregate classification (germline): Uncertain significance (1 of 4 stars; one submission).

Conditions:
T-B+ severe combined immunodeficiency due to JAK3 deficiency. Also called: SCID, T CELL-NEGATIVE, B CELL-POSITIVE, NK CELL-NEGATIVE; SCID, autosomal recessive, T-negative/B-positive type. Identifiers: Orphanet 35078, MedGen C1833275, MONDO:0010938, OMIM 600802.

Allele frequency attached by ClinVar (database versions not stated): gnomAD 0.00001; TOPMed 0.00001; ESP Exome Variant Server 0.00008.
gnomAD v4.1: 13 of 1,614,100 alleles (0.00081%); highest among the groups gnomAD compares: East Asian, 0.0022%; no homozygotes.

Submission:

Labcorp Genetics (formerly Invitae), Labcorp
Classification: Uncertain significance for T-B+ severe combined immunodeficiency due to JAK3 deficiency. Last evaluated: 2025-11-15. Review status: criteria provided, single submitter. Criteria: Invitae Variant Classification Sherloc (09022015). Collection method: clinical testing. Allele origin: germline.
Comment: This sequence change replaces arginine, which is basic and polar, with histidine, which is basic and polar, at codon 840 of the JAK3 protein (p.Arg840His). This variant is present in population databases (rs140837014, gnomAD 0.005%). This variant has not been reported in the literature in individuals affected with JAK3-related conditions. ClinVar contains an entry for this variant (Variation ID: 1054471). Invitae Evidence Modeling of protein sequence and biophysical properties (such as structural, functional, and spatial information, amino acid conservation, physicochemical variation, residue mobility, and thermodynamic stability) indicates that this missense variant is expected to disrupt JAK3 protein function with a positive predictive value of 95%. In summary, the available evidence is currently insufficient to determine the role of this variant in disease. Therefore, it has been classified as a Variant of Uncertain Significance.